The following is an entry in ClinVar:

ClinVar aggregate classification (germline): Conflicting classifications of pathogenicity. Review status: criteria provided, conflicting classifications (1 of 4 stars). 4 submissions from 4 submitters: Uncertain significance (1); Benign (1); Likely benign (2). Last evaluated 2024-06-08.

Conditions:
Familial cancer of breast. Also called: Hereditary breast cancer; BREAST CANCER, FAMILIAL; hereditary breast carcinoma. Identifiers: Orphanet 227535, MedGen C0346153, MONDO:0016419, OMIM 114480. Disease mechanism: loss of function.
Hereditary cancer-predisposing syndrome. Also called: Hereditary Cancer Syndrome; Tumor predisposition; Hereditary neoplastic syndrome; Neoplastic Syndromes, Hereditary. Identifiers: Orphanet 140162, MedGen C0027672, MeSH D009386, MONDO:0015356.
Ataxia-telangiectasia syndrome (AT). Also called: AT, COMPLEMENTATION GROUP C; Ataxia-telangiectasia, complementation group D; ATAXIA-TELANGIECTASIA, COMPLEMENTATION GROUP A; ATAXIA-TELANGIECTASIA, FRESNO VARIANT; Ataxia-telangiectasia; Ataxia telangiectasia (A-T). Identifiers: Orphanet 100, MedGen C0004135, MONDO:0008840, OMIM 208900.

gnomAD v4.1: 1 of 1,612,964 alleles (0.000062%); highest among the groups gnomAD compares: Non-Finnish European, 0.000085%; no homozygotes.

Submissions (4):

Ambry Genetics
Classification: Likely benign for Hereditary cancer-predisposing syndrome. Last evaluated: 2024-06-08. Review status: criteria provided, single submitter. Criteria: Ambry Variant Classification Scheme 2023. Collection method: clinical testing. Allele origin: germline.

Myriad Genetics, Inc.
Classification: Benign for Familial cancer of breast. Last evaluated: 2024-05-15. Review status: criteria provided, single submitter. Criteria: Myriad Autosomal Dominant, Autosomal Recessive and X-Linked Classification Criteria (2023). Collection method: clinical testing. Allele origin: unknown.
Comment: This variant is considered benign. This variant is a silent/synonymous amino acid change and it is not expected to impact splicing.

Color Diagnostics, LLC DBA Color Health
Classification: Uncertain significance for Hereditary cancer-predisposing syndrome. Last evaluated: 2023-06-13. Review status: criteria provided, single submitter. Criteria: ACMG Guidelines, 2015. Collection method: clinical testing. Allele origin: germline.
Comment: This variant is located in the ATM protein. To our knowledge, functional studies have not been reported for this variant. This variant has not been reported in individuals affected with ATM-related disorders in the literature. This variant has not been identified in the general population by the Genome Aggregation Database (gnomAD). The available evidence is insufficient to determine the role of this variant in disease conclusively. Therefore, this variant is classified as a Variant of Uncertain Significance.

Labcorp Genetics (formerly Invitae), Labcorp
Classification: Likely benign for Ataxia-telangiectasia syndrome. Last evaluated: 2023-05-23. Review status: criteria provided, single submitter. Criteria: Invitae Variant Classification Sherloc (09022015). Collection method: clinical testing. Allele origin: germline.

NM_000051.4(ATM):c.3624C>T (p.Asp1208=)

Gene: ATM (ATM serine/threonine kinase; plus strand). Cytogenetic location: 11q22.3.
Variant type: single nucleotide variant.
Coding change: c.3624C>T on transcript NM_000051.4 (MANE Select); coding-DNA position 3624, C replaced by T.
Protein change: p.Asp1208=; no amino-acid change (aspartic acid 1208 retained).
Molecular consequence: synonymous variant.
Genome position (GRCh38, 1-based): chr11:108,282,757, C>T. VCF-style: chr11-108282757-C-T. GRCh37 (hg19) VCF-style: chr11-108153484-C-T.
Other names: c.3624C>T, p.Asp1208= (NM_001351834.2).
Identifiers: ClinVar variation 2743096 (VCV002743096.6), dbSNP rs2082298022, ClinGen allele CA476673247.